The following is an entry in ClinVar:

NM_000264.5(PTCH1):c.2812C>T (p.Gln938Ter)

Gene: PTCH1 (patched 1; minus strand). Cytogenetic location: 9q22.32.
Variant type: single nucleotide variant.
Coding change: c.2812C>T on transcript NM_000264.5 (MANE Select); coding-DNA position 2812, C replaced by T.
Protein change: p.Gln938Ter; replaces glutamine 938 with a stop codon.
Molecular consequence: nonsense. On other transcripts: non-coding transcript variant (1).
Genome position (GRCh38, 1-based): chr9:95,459,675, G>A on the plus strand (C>T on the coding strand, the complement: PTCH1 is on the minus strand). VCF-style: chr9-95459675-G-A. GRCh37 (hg19) VCF-style: chr9-98221957-G-A.
Other names: c.2614C>T, p.Gln872Ter (NM_001083602.3); c.2809C>T, p.Gln937Ter (NM_001083603.3); c.2359C>T, p.Gln787Ter (NM_001083604.3, NM_001083605.3, NM_001083606.3 and 1 more transcripts); c.2656C>T, p.Gln886Ter (NM_001354918.2); short protein forms Q886*, Q872*, Q938*, Q937*, Q787*.
Identifiers: ClinVar variation 2006900 (VCV002006900.4), dbSNP rs778810550, ClinGen allele CA374113028.

ClinVar aggregate classification (germline): Pathogenic (1 of 4 stars; one submission).

Conditions:
Gorlin syndrome. Also called: Nevoid Basal Cell Carcinoma Syndrome; Basal cell nevus syndrome. Identifiers: Orphanet 377, MedGen C0004779, MONDO:0007187.

Submission:

Labcorp Genetics (formerly Invitae), Labcorp
Classification: Pathogenic for Gorlin syndrome. Last evaluated: 2023-08-14. Review status: criteria provided, single submitter. Criteria: Invitae Variant Classification Sherloc (09022015). Collection method: clinical testing. Allele origin: germline.
Comment: This sequence change creates a premature translational stop signal (p.Gln938*) in the PTCH1 gene. It is expected to result in an absent or disrupted protein product. Loss-of-function variants in PTCH1 are known to be pathogenic (PMID: 16301862, 16419085). This variant is not present in population databases (gnomAD no frequency). This variant has not been reported in the literature in individuals affected with PTCH1-related conditions. ClinVar contains an entry for this variant (Variation ID: 2006900). For these reasons, this variant has been classified as Pathogenic.

Literature cited by the submitters: PubMed 16301862; PubMed 16419085.